The following is an entry in ClinVar:

NM_007294.4(BRCA1):c.4676-1G>A

Gene: BRCA1 (BRCA1 DNA repair associated; minus strand). Cytogenetic location: 17q21.31.
Variant type: single nucleotide variant.
Coding change: c.4676-1G>A on transcript NM_007294.4 (MANE Select); the canonical splice acceptor site of the intron before coding-DNA position 4676, G replaced by A.
Molecular consequence: splice acceptor variant. On other transcripts: intron variant (1).
Genome position (GRCh38, 1-based): chr17:43,071,239, C>T on the plus strand (G>A on the coding strand, the complement: BRCA1 is on the minus strand). VCF-style: chr17-43071239-C-T. GRCh37 (hg19) VCF-style: chr17-41223256-C-T.
Other names: IVS15-1G>A; c.4598-1G>A (NM_001407653.1, NM_001407654.1, NM_001407655.1); c.4337-1G>A (NM_001407958.1, NM_001407957.1, NM_001407956.1); c.4340-1G>A (NM_001407955.1, NM_001407951.1, NM_001407953.1 and 3 more transcripts); c.1151-1G>A (NM_001408493.1, NM_001408492.1); c.1154-1G>A (NM_001408490.1, NM_001408489.1, NM_001408491.1 and 5 more transcripts); c.4460-1G>A (NM_001407915.1, NM_001407916.1, NM_001407918.1 and 1 more transcripts); c.4463-1G>A (NM_001407895.1, NM_001407910.1, NM_001407904.1 and 12 more transcripts); and 72 more.
Identifiers: ClinVar variation 125725 (VCV000125725.29), dbSNP rs80358008, ClinGen allele CA002968.

ClinVar aggregate classification (germline): Pathogenic. Review status: reviewed by expert panel (3 of 4 stars). 9 submissions from 9 submitters: Pathogenic (1). 8 of the submissions do not count toward it. Last evaluated 2019-06-18.

Conditions:
BRCA1-related cancer predisposition. Identifiers: MedGen CN377757, MONDO:0700268.
Breast and/or ovarian cancer. Identifiers: MedGen CN221562.
Hereditary cancer-predisposing syndrome. Also called: Tumor predisposition; Hereditary neoplastic syndrome; Hereditary Cancer Syndrome; Neoplastic Syndromes, Hereditary. Identifiers: Orphanet 140162, MedGen C0027672, MeSH D009386, MONDO:0015356.
Hereditary breast ovarian cancer syndrome. Also called: Hereditary breast and/or ovarian cancer syndrome; Breast and ovarian cancer; Hereditary breast and ovarian cancer syndrome; Hereditary breast and ovarian cancer; Hereditary breast and ovarian cancer syndrome (HBOC); BRCA1- and BRCA2-Associated Hereditary Breast and Ovarian Cancer. Identifiers: Orphanet 145, MedGen C0677776, MeSH D061325, MONDO:0003582. Disease mechanism: loss of function.
Breast-ovarian cancer, familial, susceptibility to, 1 (BROVCA1). Also called: BRCA1 Hereditary Breast and Ovarian Cancer; OVARIAN CANCER, SUSCEPTIBILITY TO. Identifiers: Orphanet 145, MedGen C2676676, MONDO:0011450, OMIM 604370. Disease mechanism: loss of function.

Allele frequency attached by ClinVar (database versions not stated): gnomAD exomes below 0.00001.
gnomAD v4.1: 1 of 1,613,790 alleles (0.000062%); highest among the groups gnomAD compares: Non-Finnish European, 0.000085%; no homozygotes.

Submissions (10):

Evidence-based Network for the Interpretation of Germline Mutant Alleles (ENIGMA)
Classification: Pathogenic for Breast-ovarian cancer, familial, susceptibility to, 1. Last evaluated: 2019-06-18. Review status: reviewed by expert panel. Criteria: ENIGMA BRCA1/2 Classification Criteria (2017-06-29). Collection method: curation. Allele origin: germline.
Comment: IARC class based on posterior probability from multifactorial likelihood analysis, thresholds for class as per Plon et al. 2008 (PMID: 18951446). Class 5 based on posterior probability = 0.999912

Labcorp Genetics (formerly Invitae), Labcorp
Classification: Pathogenic for Hereditary breast ovarian cancer syndrome. Last evaluated: 2024-12-02. Review status: criteria provided, single submitter. Criteria: Invitae Variant Classification Sherloc (09022015). Collection method: clinical testing. Allele origin: germline. Not counted in ClinVar's aggregate classification.
Comment: This sequence change affects an acceptor splice site in intron 14 of the BRCA1 gene. RNA analysis indicates that disruption of this splice site induces altered splicing and may result in an absent or altered protein product. This variant is not present in population databases (gnomAD no frequency). Disruption of this splice site has been observed in individual(s) with hereditary breast and/or ovarian cancer (PMID: 25452441, 29446198, 30257646). ClinVar contains an entry for this variant (Variation ID: 125725). Based on a multifactorial likelihood algorithm using genetic, in silico, and/or statistical data, this variant has been determined to have a high probability of being pathogenic (PMID: 31131967). Studies have shown that disruption of this splice site results in activation of a cryptic splice site, and produces a non-functional protein and/or introduces a premature termination codon (internal data). For these reasons, this variant has been classified as Pathogenic.

All of Us Research Program, National Institutes of Health
Classification: Likely pathogenic for BRCA1-related cancer predisposition. Last evaluated: 2024-04-10. Review status: criteria provided, single submitter. Criteria: ACMG Guidelines, 2015. Collection method: clinical testing. Allele origin: germline. Inheritance: Autosomal dominant inheritance. Observed: 2 variant alleles, 2 heterozygotes. Not counted in ClinVar's aggregate classification.
Comment: This variant causes a G to A nucleotide substitution at the -1 position of intron 14 of the BRCA1 gene. Splice site prediction tools predict that this variant may have a significant impact on RNA splicing. Although this prediction has not been confirmed in published RNA studies, this variant is expected to result in an absent or disrupted protein product. This variant has been reported in three individuals affected with breast cancer (PMID: 11448907, 25452441). A multifactorial analysis reported likelihood ratios for pathogenicity based on segregation, co-occurrence with a pathogenic covariant and family history of 3.7504, 2.0153 and 32.3133, respectively (PMID: 31131967). This variant has not been identified in the general population by the Genome Aggregation Database (gnomAD). Loss of BRCA1 function is a known mechanism of disease. Based on the available evidence, this variant is classified as Likely Pathogenic.

This study involves interpretation of variants in research participants for the purpose of population health screening. Participant phenotype was not available at the time of variant classification. Additional details can be found in publication PMID: 35346344, PMCID: PMC8962531

Human Genome Sequencing Center Clinical Lab, Baylor College of Medicine
Classification: Likely pathogenic for hereditary breast and ovarian cancer syndrome. Last evaluated: 2024-01-15. Review status: criteria provided, single submitter. Criteria: ACMG Guidelines, 2015. Collection method: clinical testing. Allele origin: unknown. Not counted in ClinVar's aggregate classification.

Color Diagnostics, LLC DBA Color Health
Classification: Likely pathogenic for Hereditary cancer-predisposing syndrome. Last evaluated: 2023-06-15. Review status: criteria provided, single submitter. Criteria: ACMG Guidelines, 2015. Collection method: clinical testing. Allele origin: germline. Not counted in ClinVar's aggregate classification.
Comment: This variant causes a G to A nucleotide substitution at the -1 position of intron 14 of the BRCA1 gene. Splice site prediction tools predict that this variant may have a significant impact on RNA splicing. Although this prediction has not been confirmed in published RNA studies, this variant is expected to result in an absent or disrupted protein product. This variant has been reported in three individuals affected with breast cancer (PMID: 11448907, 25452441). A multifactorial analysis reported likelihood ratios for pathogenicity based on segregation, co-occurrence with a pathogenic covariant and family history of 3.7504, 2.0153 and 32.3133, respectively (PMID: 31131967). This variant has not been identified in the general population by the Genome Aggregation Database (gnomAD). Loss of BRCA1 function is a known mechanism of disease. Based on the available evidence, this variant is classified as Likely Pathogenic.

Ambry Genetics
Classification: Likely pathogenic for Hereditary cancer-predisposing syndrome. Last evaluated: 2023-05-05. Review status: criteria provided, single submitter. Criteria: Ambry Variant Classification Scheme 2023. Collection method: clinical testing. Allele origin: germline. Not counted in ClinVar's aggregate classification.
Comment: The c.4676-1G>A intronic variant results from a G to A substitution one nucleotide upstream from coding exon 14 of the BRCA1 gene. This alteration has been reported as a likely deleterious mutation in at least one patient with triple negative breast cancer (Couch FJ et al. J Clin Oncol. 2015 Feb 1;33(4):304-11; Hoyer J et al. BMC Cancer, 2018 Sep;18:926). This variant was identified in a large, worldwide study of BRCA1/2 mutation positive families (Rebbeck TR et al. Hum Mutat, 2018 May;39:593-620). This alteration was also classified as pathogenic in a multifactorial model of variant interpretation that incorporates co-segregation, family history, co-occurrence and tumor pathology and case-control data (Parsons MT et al. Hum Mutat, 2019 Sep;40:1557-1578). This nucleotide position is highly conserved in available vertebrate species. In silico splice site analysis predicts that this alteration will weaken the native splice acceptor site and will result in the creation or strengthening of a novel splice acceptor site; however, direct evidence is insufficient at this time (Ambry internal data). This variant is considered to be rare based on population cohorts in the Genome Aggregation Database (gnomAD). Alterations that disrupt the canonical splice site are expected to cause aberrant splicing, resulting in an abnormal protein or a transcript that is subject to nonsense-mediated mRNA decay. As such, this alteration is classified as likely pathogenic.

Consortium of Investigators of Modifiers of BRCA1/2 (CIMBA), c/o University of Cambridge
Classification: Pathogenic for Breast-ovarian cancer, familial, susceptibility to, 1. Last evaluated: 2015-10-02. Review status: criteria provided, single submitter. Criteria: CIMBA Mutation Classification guidelines May 2016. Collection method: clinical testing. Allele origin: germline. Not counted in ClinVar's aggregate classification.

CZECANCA consortium
Classification: Pathogenic for Breast and/or ovarian cancer. Last evaluated: 2019-06-11. Review status: no assertion criteria provided. Collection method: clinical testing. Allele origin: germline. Affected: yes. Observed: 1 variant allele. Not counted in ClinVar's aggregate classification.

Breast Cancer Information Core (BIC) (BRCA1)
Classification: Pathogenic for Breast-ovarian cancer, familial 1. Last evaluated: 1999-06-21. Review status: no assertion criteria provided. Collection method: clinical testing. Allele origin: germline. Affected: yes. Observed: 2 variant alleles. Not counted in ClinVar's aggregate classification.

Dr. Peter K. Rogan Lab, Western University
No classification provided (evidence only). Condition: Familial cancer of breast. Review status: no classification provided. Collection method: in vitro. Allele origin: not applicable. Functional consequence: retained intron. Not counted in ClinVar's aggregate classification.

Literature cited by the submitters: PubMed 31131967 (cited by 5 submitters); PubMed 25452441 (cited by 3 submitters); PubMed 29446198 (cited by Labcorp Genetics (formerly Invitae), Labcorp and Ambry Genetics); PubMed 30257646 (cited by Labcorp Genetics (formerly Invitae), Labcorp and Ambry Genetics); PubMed 11448907 (cited by All of Us Research Program, National Institutes of Health and Color Diagnostics, LLC DBA Color Health); PubMed 17924331 (cited by Ambry Genetics); PubMed 32295079 (cited by CZECANCA consortium).